The following is an entry in ClinVar:

NM_001605.3(AARS1):c.1129G>A (p.Glu377Lys)

Gene: AARS1 (alanyl-tRNA synthetase 1; minus strand). Cytogenetic location: 16q22.1.
Variant type: single nucleotide variant.
Coding change: c.1129G>A on transcript NM_001605.3 (MANE Select); coding-DNA position 1129, G replaced by A.
Protein change: p.Glu377Lys; replaces glutamic acid 377 with lysine.
Molecular consequence: missense variant.
Genome position (GRCh38, 1-based): chr16:70,267,752, C>T on the plus strand (G>A on the coding strand, the complement: AARS1 is on the minus strand). VCF-style: chr16-70267752-C-T. GRCh37 (hg19) VCF-style: chr16-70301655-C-T.
Other names: short protein forms E377K.
Identifiers: ClinVar variation 1682251 (VCV001682251.6), dbSNP rs2152160216, ClinGen allele CA396563765.

ClinVar aggregate classification (germline): Uncertain significance (1 of 4 stars; one submission).

Conditions:
Charcot-Marie-Tooth disease type 2. Also called: Charcot-Marie-Tooth type 2. Identifiers: Orphanet 64746, MedGen C0270914, MONDO:0018993.

Submission:

Labcorp Genetics (formerly Invitae), Labcorp
Classification: Uncertain significance for Charcot-Marie-Tooth disease type 2. Last evaluated: 2021-10-08. Review status: criteria provided, single submitter. Criteria: Invitae Variant Classification Sherloc (09022015). Collection method: clinical testing. Allele origin: germline.
Comment: This variant is not present in population databases (ExAC no frequency). In summary, the available evidence is currently insufficient to determine the role of this variant in disease. Therefore, it has been classified as a Variant of Uncertain Significance. Algorithms developed to predict the effect of missense changes on protein structure and function are either unavailable or do not agree on the potential impact of this missense change (SIFT: "Deleterious"; PolyPhen-2: "Possibly Damaging"; Align-GVGD: "Class C0"). This variant has not been reported in the literature in individuals with AARS-related conditions. This sequence change replaces glutamic acid with lysine at codon 377 of the AARS protein (p.Glu377Lys). The glutamic acid residue is highly conserved and there is a small physicochemical difference between glutamic acid and lysine.